The following is an entry in ClinVar:

ClinVar aggregate classification (germline): Uncertain significance (1 of 4 stars; one submission).

Conditions:
Dyskeratosis congenita. Identifiers: Orphanet 1775, MedGen C0265965, MONDO:0015780.

Submission:

Ambry Genetics
Classification: Uncertain significance for Dyskeratosis congenita. Last evaluated: 2018-10-24. Review status: criteria provided, single submitter. Criteria: Ambry Variant Classification Scheme 2023. Collection method: clinical testing. Allele origin: germline.
Comment: The p.H482N variant (also known as c.1444C>A), located in coding exon 2 of the TERT gene, results from a C to A substitution at nucleotide position 1444. The histidine at codon 482 is replaced by asparagine, an amino acid with similar properties. This amino acid position is well conserved in available vertebrate species. In addition, this alteration is predicted to be tolerated by in silico analysis. Since supporting evidence is limited at this time, the clinical significance of this alteration remains unclear.

NM_198253.3(TERT):c.1444C>A (p.His482Asn)

Gene: TERT (telomerase reverse transcriptase; minus strand). Cytogenetic location: 5p15.33.
Variant type: single nucleotide variant.
Coding change: c.1444C>A on transcript NM_198253.3 (MANE Select); coding-DNA position 1444, C replaced by A.
Protein change: p.His482Asn; replaces histidine 482 with asparagine.
Molecular consequence: missense variant. On other transcripts: non-coding transcript variant (2).
Genome position (GRCh38, 1-based): chr5:1,293,442, G>T on the plus strand (C>A on the coding strand, the complement: TERT is on the minus strand). VCF-style: chr5-1293442-G-T. GRCh37 (hg19) VCF-style: chr5-1293557-G-T.
Other names: c.1444C>A, p.His482Asn (NM_001193376.3, NM_003219.1); short protein forms H482N.
Identifiers: ClinVar variation 1772768 (VCV001772768.2), dbSNP rs2478409467, ClinGen allele CA359085611.
Genomic context (GRCh38, chr5:1,293,442, plus strand): 5'-TGGCATGCTTCCCCAGGGAGATGAACTTCTTGGTGTTCCTGAGGAAGCGGCGTTCGTTGT[G>T]CCTGGAGCCCCAGAGGCCTGGGGGCACCAGCCGGCGCAGGCAGGCCCGCACGAAGCCGTA-3'
Protein context (NP_937983.2, residues 472-492): LVPPGLWGSR[His482Asn]NERRFLRNTK